The following is an entry in ClinVar:

NM_002474.3(MYH11):c.3571G>A (p.Glu1191Lys)

Gene: MYH11 (myosin heavy chain 11; minus strand). Cytogenetic location: 16p13.11.
Variant type: single nucleotide variant.
Coding change: c.3571G>A on transcript NM_002474.3 (MANE Select); coding-DNA position 3571, G replaced by A.
Protein change: p.Glu1191Lys; replaces glutamic acid 1191 with lysine.
Molecular consequence: missense variant.
Genome position (GRCh38, 1-based): chr16:15,732,644, C>T on the plus strand (G>A on the coding strand, the complement: MYH11 is on the minus strand). VCF-style: chr16-15732644-C-T. GRCh37 (hg19) VCF-style: chr16-15826501-C-T.
Other names: c.3592G>A, p.Glu1198Lys (NM_001040113.2, NM_001040114.2); c.3571G>A, p.Glu1191Lys (NM_022844.3); short protein forms E1191K, E1198K.
Identifiers: ClinVar variation 3072329 (VCV003072329.1), dbSNP rs1483689635, ClinGen allele CA394861145.

ClinVar aggregate classification (germline): Uncertain significance (1 of 4 stars; one submission).

Conditions:
Familial thoracic aortic aneurysm and aortic dissection (TAAD). Also called: Thoracic aortic aneurysms and dissections. Identifiers: Orphanet 91387, MedGen C4707243, MONDO:0019625.

Allele frequency attached by ClinVar (database versions not stated): gnomAD exomes below 0.00001.
gnomAD v4.1: 2 of 1,614,264 alleles (0.00012%); highest among the groups gnomAD compares: Admixed American, 0.0017%; no homozygotes.

Submission:

All of Us Research Program, National Institutes of Health
Classification: Uncertain significance for Familial thoracic aortic aneurysm and aortic dissection. Last evaluated: 2023-07-10. Review status: criteria provided, single submitter. Criteria: ACMG Guidelines, 2015. Collection method: clinical testing. Allele origin: germline. Inheritance: Autosomal dominant inheritance. Observed: 1 variant allele, 1 heterozygote.
Comment: This missense variant replaces glutamic acid with lysine at codon 1198 of the MYH11 protein. Computational prediction suggests that this variant may have deleterious impact on protein structure and function (internally defined REVEL score threshold >= 0.7, PMID: 27666373). To our knowledge, functional studies have not been reported for this variant. This variant has not been reported in individuals affected with MYH11-related disorders in the literature. This variant has been identified in 1/251448 chromosomes in the general population by the Genome Aggregation Database (gnomAD). The available evidence is insufficient to determine the role of this variant in disease conclusively. Therefore, this variant is classified as a Variant of Uncertain Significance.

This study involves interpretation of variants in research participants for the purpose of population health screening. Participant phenotype was not available at the time of variant classification. Additional details can be found in publication PMID: 35346344, PMCID: PMC8962531